The following is an entry in ClinVar:

NM_004370.6(COL12A1):c.3566-8C>G

Gene: COL12A1 (collagen type XII alpha 1 chain; minus strand). Cytogenetic location: 6q13.
Variant type: single nucleotide variant.
Coding change: c.3566-8C>G on transcript NM_004370.6 (MANE Select); 8 bases into the intron before coding-DNA position 3566, C replaced by G.
Molecular consequence: intron variant.
Genome position (GRCh38, 1-based): chr6:75,152,490, G>C on the plus strand (C>G on the coding strand, the complement: COL12A1 is on the minus strand). VCF-style: chr6-75152490-G-C. GRCh37 (hg19) VCF-style: chr6-75862206-G-C.
Other names: c.74-8C>G (NM_080645.3).
Identifiers: ClinVar variation 1019352 (VCV001019352.13), dbSNP rs201709757, ClinGen allele CA1638963760.

ClinVar aggregate classification (germline): Likely benign. Review status: criteria provided, multiple submitters, no conflicts (2 of 4 stars). 2 submissions from 2 submitters: Likely benign (2). Last evaluated 2025-04-30.

Conditions:
Ullrich congenital muscular dystrophy 2 (UCMD2). Identifiers: Orphanet 75840, MedGen C4225314, MONDO:0014654, OMIM 616470.
Bethlem myopathy 2 (BTHLM2). Identifiers: Orphanet 536516, Orphanet 610, MedGen C4225313, MONDO:0034022, OMIM 616471.

Submissions (2):

Women's Health and Genetics/Laboratory Corporation of America, LabCorp
Classification: Likely benign. Last evaluated: 2025-04-30. Review status: criteria provided, single submitter. Criteria: LabCorp Variant Classification Summary - May 2015. Collection method: clinical testing. Allele origin: germline.
Comment: Variant summary: COL12A1 c.3566-8C>G alters a non-conserved nucleotide located at a position not widely known to affect splicing. Consensus agreement among computation tools predict no significant impact on normal splicing. However, these predictions have yet to be confirmed by functional studies. The variant was absent in 247356 control chromosomes (gnomAD). The available data on variant occurrences in the general population are insufficient to allow any conclusion about variant significance. To our knowledge, no occurrence of c.3566-8C>G in individuals affected with Bethlem myopathy 2 and no experimental evidence demonstrating its impact on protein function have been reported. ClinVar contains an entry for this variant (Variation ID: 1019352). Based on the evidence outlined above, the variant was classified as likely benign.

Labcorp Genetics (formerly Invitae), Labcorp
Classification: Likely benign for Bethlem myopathy 2; Ullrich congenital muscular dystrophy 2. Last evaluated: 2024-02-24. Review status: criteria provided, single submitter. Criteria: Invitae Variant Classification Sherloc (09022015). Collection method: clinical testing. Allele origin: germline.